The following is an entry in ClinVar:

ClinVar aggregate classification (germline): Uncertain significance (1 of 4 stars; one submission).

Conditions:
Multiple endocrine neoplasia, type 1 (MEN1). Also called: MEN I; WERMER SYNDROME; Endocrine adenomatosis multiple; MEN 1; MEA I. Identifiers: Orphanet 652, MedGen C0025267, MeSH D018761, MONDO:0007540, OMIM 131100.

Submission:

Labcorp Genetics (formerly Invitae), Labcorp
Classification: Uncertain significance for Multiple endocrine neoplasia, type 1. Last evaluated: 2024-10-29. Review status: criteria provided, single submitter. Criteria: Invitae Variant Classification Sherloc (09022015). Collection method: clinical testing. Allele origin: germline.
Comment: This sequence change replaces leucine, which is neutral and non-polar, with proline, which is neutral and non-polar, at codon 249 of the MEN1 protein (p.Leu249Pro). This variant is not present in population databases (gnomAD no frequency). This missense change has been observed in individual(s) with mutiple endocrine neoplasia type 1 (PMID: 29497973). Invitae Evidence Modeling of protein sequence and biophysical properties (such as structural, functional, and spatial information, amino acid conservation, physicochemical variation, residue mobility, and thermodynamic stability) indicates that this missense variant is not expected to disrupt MEN1 protein function with a negative predictive value of 95%. In summary, the available evidence is currently insufficient to determine the role of this variant in disease. Therefore, it has been classified as a Variant of Uncertain Significance.

Literature cited by the submitters: PubMed 29497973.

NM_001370259.2(MEN1):c.746T>C (p.Leu249Pro)

Gene: MEN1 (menin 1; minus strand). Cytogenetic location: 11q13.1.
Variant type: single nucleotide variant.
Coding change: c.746T>C on transcript NM_001370259.2 (MANE Select); coding-DNA position 746, T replaced by C.
Protein change: p.Leu249Pro; replaces leucine 249 with proline.
Molecular consequence: missense variant. On other transcripts: non-coding transcript variant (4).
Genome position (GRCh38, 1-based): chr11:64,807,589, A>G on the plus strand (T>C on the coding strand, the complement: MEN1 is on the minus strand). VCF-style: chr11-64807589-A-G. GRCh37 (hg19) VCF-style: chr11-64575061-A-G.
Other names: c.761T>C, p.Leu254Pro (NM_000244.4, NM_001407145.1, NM_001407150.1 and 5 more transcripts); c.746T>C, p.Leu249Pro (NM_001370251.2, NM_001370260.2, NM_001370261.2 and 7 more transcripts); c.641T>C, p.Leu214Pro (NM_001370262.2, NM_001370263.2, NM_001407148.1 and 2 more transcripts); short protein forms L214P, L249P, L254P.
Identifiers: ClinVar variation 3681704 (VCV003681704.2).
Genomic context (GRCh38, chr11:64,807,589, plus strand): 5'-TGCCCCATTGGCTCAGCCCTCACCTGCTGCAGCTGCAGAAGCTCCAGCGAGTCGGTGTGC[A>G]GGTCAATGGAAGGGTTGATGGCACACACCATGAACGCCACCTCCATCTTGCGGTCACAGC-3'
Protein context (NP_001357188.2, residues 239-259): MVCAINPSID[Leu249Pro]HTDSLELLQL